The following is an entry in ClinVar:

NM_001005361.3(DNM2):c.1622A>G (p.Tyr541Cys)

Gene: DNM2 (dynamin 2; plus strand). Cytogenetic location: 19p13.2.
Variant type: single nucleotide variant.
Coding change: c.1622A>G on transcript NM_001005361.3 (MANE Select); coding-DNA position 1622, A replaced by G.
Protein change: p.Tyr541Cys; replaces tyrosine 541 with cysteine.
Molecular consequence: missense variant.
Genome position (GRCh38, 1-based): chr19:10,812,328, A>G. VCF-style: chr19-10812328-A-G. GRCh37 (hg19) VCF-style: chr19-10923004-A-G.
Other names: c.1622A>G, p.Tyr541Cys (NM_001005360.3, NM_001190716.2); c.1610A>G, p.Tyr537Cys (NM_001005362.3, NM_004945.4); short protein forms Y537C, Y541C.
Identifiers: ClinVar variation 5005913 (VCV005005913.2).

ClinVar aggregate classification (germline): Uncertain significance (1 of 4 stars; one submission).

Conditions:
Fetal akinesia-cerebral and retinal hemorrhage syndrome. Also called: MYOPATHY, CENTRONUCLEAR, LETHAL, AUTOSOMAL RECESSIVE; Lethal congenital contracture syndrome 5. Identifiers: Orphanet 363409, MedGen C4706410, MONDO:0014149, OMIM 615368.
Autosomal dominant centronuclear myopathy. Also called: Myopathy, centronuclear, 3; MYOTUBULAR MYOPATHY, AUTOSOMAL DOMINANT. Identifiers: Orphanet 169189, MedGen C4551952, MeSH D020914, MONDO:0008048, OMIM 160150.
Charcot-Marie-Tooth disease dominant intermediate B (CMTDIB). Also called: CHARCOT-MARIE-TOOTH NEUROPATHY, DOMINANT INTERMEDIATE B; Charcot-Marie-Tooth disease dominant intermediate 1; CMT DI1; Charcot-Marie-Tooth disease dominant intermediate I. Identifiers: Orphanet 100044, Orphanet 228179, MedGen C1847902, MONDO:0011674, OMIM 606482.

Submission:

Juno Genomics, Hangzhou Juno Genomics, Inc
Classification: Uncertain significance for Autosomal dominant centronuclear myopathy; Charcot-Marie-Tooth disease dominant intermediate B; Fetal akinesia-cerebral and retinal hemorrhage syndrome. Review status: criteria provided, single submitter. Criteria: ACMG Guidelines, 2015. Collection method: clinical testing. Allele origin: germline.
Comment: Absent from controls (or at extremely low frequency if recessive) in Genome Aggregation Database.;Missense variant in a gene that has a low rate of benign missense variation.;Multiple lines of computational evidence support a deleterious effect on the gene or gene product.